The following is an entry in ClinVar:

NM_001163435.3(TBCK):c.2234T>C (p.Leu745Pro)

Gene: TBCK (TBC1 domain containing kinase; minus strand). Cytogenetic location: 4q24.
Variant type: single nucleotide variant.
Coding change: c.2234T>C on transcript NM_001163435.3 (MANE Select); coding-DNA position 2234, T replaced by C.
Protein change: p.Leu745Pro; replaces leucine 745 with proline.
Molecular consequence: missense variant.
Genome position (GRCh38, 1-based): chr4:106,171,096, A>G on the plus strand (T>C on the coding strand, the complement: TBCK is on the minus strand). VCF-style: chr4-106171096-A-G. GRCh37 (hg19) VCF-style: chr4-107092253-A-G.
Other names: c.2234T>C, p.Leu745Pro (NM_001163436.4); c.2117T>C, p.Leu706Pro (NM_001163437.3); c.1718T>C, p.Leu573Pro (NM_001290768.2); c.2045T>C, p.Leu682Pro (NM_033115.5); short protein forms L682P, L706P, L745P, L573P.
Identifiers: ClinVar variation 2009416 (VCV002009416.4), dbSNP rs1750938207, ClinGen allele CA357819055.

ClinVar aggregate classification (germline): Uncertain significance (1 of 4 stars; one submission).

Submission:

Labcorp Genetics (formerly Invitae), Labcorp
Classification: Uncertain significance. Last evaluated: 2022-06-22. Review status: criteria provided, single submitter. Criteria: Invitae Variant Classification Sherloc (09022015). Collection method: clinical testing. Allele origin: germline.
Comment: This variant has not been reported in the literature in individuals affected with TBCK-related conditions. In summary, the available evidence is currently insufficient to determine the role of this variant in disease. Therefore, it has been classified as a Variant of Uncertain Significance. Algorithms developed to predict the effect of missense changes on protein structure and function are either unavailable or do not agree on the potential impact of this missense change (SIFT: "Deleterious"; PolyPhen-2: "Possibly Damaging"; Align-GVGD: "Class C0"). This variant is not present in population databases (gnomAD no frequency). This sequence change replaces leucine, which is neutral and non-polar, with proline, which is neutral and non-polar, at codon 745 of the TBCK protein (p.Leu745Pro).